The following is an entry in ClinVar:

ClinVar aggregate classification (germline): Uncertain significance (1 of 4 stars; one submission).

Conditions:
Neurodevelopmental disorder with or without variable brain abnormalities; NEDBA. Also called: NEURODEVELOPMENTAL DISORDER WITH OR WITHOUT VARIABLE BRAIN ABNORMALITIES. Identifiers: MedGen C5193102, MONDO:0032755, OMIM 618443.

Submission:

Neuberg Centre For Genomic Medicine, NCGM
Classification: Uncertain significance for Neurodevelopmental disorder with or without variable brain abnormalities; NEDBA. Last evaluated: 2023-06-22. Review status: criteria provided, single submitter. Criteria: ACMG Guidelines, 2015. Collection method: clinical testing. Allele origin: germline. Inheritance: Autosomal dominant inheritance. Affected: yes.
Comment: The missense variant c.3846C>A (p.Asn1282Lys) in the MAPK8IP3 gene has not been reported previously as a pathogenic variant nor as a benign variant, to our knowledge. This variant is absent in the gnomAD Exomes. The amino acid Asn at position 1282 is changed to a Lys changing protein sequence and it might alter its composition and physico-chemical properties. Multiple lines of computational evidence (Polyphen - Damaging, SIFT - Damaging and MutationTaster - Disease causing) predict a damaging effect on protein structure and function for this variant. The p.Asn1282Lys variant is novel (not in any individuals) in gnomAD Exomes and 1000 Genomes. For these reasons, this variant has been classified as Uncertain Significance.

NM_001318852.2(MAPK8IP3):c.3846C>A (p.Asn1282Lys)

Gene: MAPK8IP3 (mitogen-activated protein kinase 8 interacting protein 3; plus strand). Cytogenetic location: 16p13.3.
Variant type: single nucleotide variant.
Coding change: c.3846C>A on transcript NM_001318852.2 (MANE Select); coding-DNA position 3846, C replaced by A.
Protein change: p.Asn1282Lys; replaces asparagine 1282 with lysine.
Molecular consequence: missense variant.
Genome position (GRCh38, 1-based): chr16:1,768,580, C>A. VCF-style: chr16-1768580-C-A. GRCh37 (hg19) VCF-style: chr16-1818581-C-A.
Other names: c.3825C>A, p.Asn1275Lys (NM_001040439.2); c.3843C>A, p.Asn1281Lys (NM_015133.5); short protein forms N1275K, N1281K, N1282K.
Identifiers: ClinVar variation 3377647 (VCV003377647.1).